The following is an entry in ClinVar:

ClinVar aggregate classification (germline): Benign/Likely benign. Review status: criteria provided, multiple submitters, no conflicts (2 of 4 stars). 4 submissions from 4 submitters: Benign (2); Likely benign (2). Last evaluated 2026-02-01.

Allele frequency attached by ClinVar (database versions not stated): ESP Exome Variant Server 0.00008; gnomAD 0.00064 and 0.00065; 1000 Genomes Project 0.00100; TOPMed 0.00113; 1000 Genomes Project 30x 0.00125; ExAC 0.00142; gnomAD exomes 0.00171.
gnomAD v4.1: 603 of 1,611,948 alleles (0.037%); highest among the groups gnomAD compares: Admixed American, 0.95%; 5 homozygotes.

Submissions (4):

Labcorp Genetics (formerly Invitae), Labcorp
Classification: Benign. Last evaluated: 2026-02-01. Review status: criteria provided, single submitter. Criteria: Invitae Variant Classification Sherloc (09022015). Collection method: clinical testing. Allele origin: germline.

CeGaT Center for Human Genetics Tuebingen
Classification: Likely benign. Last evaluated: 2026-01-01. Review status: criteria provided, single submitter. Criteria: CeGaT Center For Human Genetics Tuebingen Variant Classification Criteria Version 2. Collection method: clinical testing. Allele origin: germline. Affected: yes. Observed: 1 variant allele.
Comment: SLC25A42: BS2

Mayo Clinic Laboratories, Mayo Clinic
Classification: Likely benign. Last evaluated: 2025-03-18. Review status: criteria provided, single submitter. Criteria: ACMG Guidelines, 2015. Collection method: clinical testing. Allele origin: germline. Observed: 1 variant allele.
Comment: BS1_supporting, BS2

Breakthrough Genomics
Classification: Benign. Review status: criteria provided, single submitter. Criteria: ACMG Guidelines, 2015. Collection method: not provided. Allele origin: germline. Inheritance: Autosomal recessive inheritance. Affected: yes.

NM_178526.5(SLC25A42):c.391C>G (p.Pro131Ala)

Gene: SLC25A42 (solute carrier family 25 member 42; plus strand). Cytogenetic location: 19p13.11.
Variant type: single nucleotide variant.
Coding change: c.391C>G on transcript NM_178526.5 (MANE Select); coding-DNA position 391, C replaced by G.
Protein change: p.Pro131Ala; replaces proline 131 with alanine.
Molecular consequence: missense variant.
Genome position (GRCh38, 1-based): chr19:19,106,279, C>G. VCF-style: chr19-19106279-C-G. GRCh37 (hg19) VCF-style: chr19-19217088-C-G.
Other names: p.Pro131Ala; c.391C>G, p.Pro131Ala (NM_001321544.2); short protein forms P131A.
Identifiers: ClinVar variation 1626856 (VCV001626856.14), dbSNP rs199634097, ClinGen allele CA9321472.